The following is an entry in ClinVar:

NM_004519.4(KCNQ3):c.505G>A (p.Ala169Thr)

Gene: KCNQ3 (potassium voltage-gated channel subfamily Q member 3; minus strand). Cytogenetic location: 8q24.22.
Variant type: single nucleotide variant.
Coding change: c.505G>A on transcript NM_004519.4 (MANE Select); coding-DNA position 505, G replaced by A.
Protein change: p.Ala169Thr; replaces alanine 169 with threonine.
Molecular consequence: missense variant.
Genome position (GRCh38, 1-based): chr8:132,184,340, C>T on the plus strand (G>A on the coding strand, the complement: KCNQ3 is on the minus strand). VCF-style: chr8-132184340-C-T. GRCh37 (hg19) VCF-style: chr8-133196587-C-T.
Other names: c.145G>A, p.Ala49Thr (NM_001204824.2); short protein forms A49T, A169T.
Identifiers: ClinVar variation 2718240 (VCV002718240.3), dbSNP rs1826889968, ClinGen allele CA372291245.

ClinVar aggregate classification (germline): Uncertain significance (1 of 4 stars; one submission).

Conditions:
Benign neonatal seizures. Also called: Convulsions benign familial neonatal dominant form; Autosomal dominant form of benign neonatal seizures; Benign familial neonatal epilepsy; Benign familial neonatal seizures; Benign neonatal familial convulsions. Identifiers: Orphanet 1949, MedGen C0220669, MONDO:0016027.

Allele frequency attached by ClinVar (database versions not stated): TOPMed 0.00001.

Submission:

Labcorp Genetics (formerly Invitae), Labcorp
Classification: Uncertain significance for Benign neonatal seizures. Last evaluated: 2023-12-16. Review status: criteria provided, single submitter. Criteria: Invitae Variant Classification Sherloc (09022015). Collection method: clinical testing. Allele origin: germline.
Comment: This sequence change replaces alanine, which is neutral and non-polar, with threonine, which is neutral and polar, at codon 169 of the KCNQ3 protein (p.Ala169Thr). This variant is not present in population databases (gnomAD no frequency). This variant has not been reported in the literature in individuals affected with KCNQ3-related conditions. Advanced modeling of protein sequence and biophysical properties (such as structural, functional, and spatial information, amino acid conservation, physicochemical variation, residue mobility, and thermodynamic stability) performed at Invitae indicates that this missense variant is not expected to disrupt KCNQ3 protein function with a negative predictive value of 80%. In summary, the available evidence is currently insufficient to determine the role of this variant in disease. Therefore, it has been classified as a Variant of Uncertain Significance.